The following continues an entry in ClinVar:

NM_001035.3(RYR2):c.13291G>A (p.Glu4431Lys)

Gene: RYR2. ClinVar aggregate classification (germline): Conflicting classifications of pathogenicity. Uncertain significance (11); Benign (1); Likely benign (5).

Submissions 12 to 19 of 19:

Laboratory for Molecular Medicine, Mass General Brigham Personalized Medicine
Classification: Uncertain significance. Last evaluated: 2018-11-16. Review status: criteria provided, single submitter. Criteria: LMM Criteria. Collection method: clinical testing. Allele origin: germline. Observed: 2 variant alleles.
Comment: Disclaimer: This variant has not undergone full assessment. The following are pr eliminary notes: All ClinVar submissions are recent (2017). HGMD: 3 more publica tions which will probably not increase the classification. ClinVar: VUS by sever al labs (all recent, 2017)

Phosphorus, Inc.
Classification: Uncertain significance for Catecholaminergic polymorphic ventricular tachycardia 1. Last evaluated: 2017-08-01. Review status: criteria provided, single submitter. Criteria: ACMG Guidelines, 2015. Collection method: clinical testing. Allele origin: germline. Observed: 1 variant allele.

Phosphorus, Inc.
Classification: Uncertain significance for Catecholaminergic polymorphic ventricular tachycardia 1. Last evaluated: 2017-08-01. Review status: criteria provided, single submitter. Criteria: ACMG Guidelines, 2015. Collection method: clinical testing. Allele origin: germline. Observed: 1 variant allele.

Phosphorus, Inc.
Classification: Uncertain significance for Left ventricular noncompaction. Last evaluated: 2017-08-01. Review status: criteria provided, single submitter. Criteria: ACMG Guidelines, 2015. Collection method: clinical testing. Allele origin: germline. Observed: 1 variant allele.

Center for Advanced Laboratory Medicine, UC San Diego Health, University of California San Diego
Classification: Uncertain significance for Hypertrophic cardiomyopathy. Last evaluated: 2017-07-26. Review status: criteria provided, single submitter. Criteria: ACMG Guidelines, 2015. Collection method: clinical testing. Allele origin: germline. Affected: yes. Observed: 1 variant allele.

Stanford Center for Inherited Cardiovascular Disease, Stanford University
Classification: Uncertain significance. Last evaluated: 2015-09-17. Review status: criteria provided, single submitter. Criteria: ACMG Guidelines, 2015. Collection method: provider interpretation. Allele origin: germline.

Diagnostic Laboratory, Department of Genetics, University Medical Center Groningen
Classification: Uncertain significance. Review status: no assertion criteria provided. Collection method: clinical testing. Allele origin: germline. Affected: yes. Study: VKGL Data-share Consensus. Not counted in ClinVar's aggregate classification.

Joint Genome Diagnostic Labs from Nijmegen and Maastricht, Radboudumc and MUMC+
Classification: Uncertain significance. Review status: no assertion criteria provided. Collection method: clinical testing. Allele origin: germline. Affected: yes. Study: VKGL Data-share Consensus. Not counted in ClinVar's aggregate classification.

Literature cited by the submitters: PubMed 19926015 (cited by 3 submitters); PubMed 18752142 (cited by 6 submitters); PubMed 24025405 (cited by 4 submitters); PubMed 24631775 (cited by 5 submitters); PubMed 28404607 (cited by Women's Health and Genetics/Laboratory Corporation of America, LabCorp and Ambry Genetics); PubMed 39073097 (cited by Women's Health and Genetics/Laboratory Corporation of America, LabCorp); PubMed 31638414 (cited by All of Us Research Program, National Institutes of Health); PubMed 34712558 (cited by All of Us Research Program, National Institutes of Health); PubMed 37198425 (cited by All of Us Research Program, National Institutes of Health); PubMed 23022705 (cited by Illumina Laboratory Services, Illumina); PubMed 27538377 (cited by Illumina Laboratory Services, Illumina and Phosphorus, Inc.).